The following is an entry in ClinVar:

ClinVar aggregate classification (germline): Benign/Likely benign. Review status: criteria provided, multiple submitters, no conflicts (2 of 4 stars). 2 submissions from 2 submitters: Benign (1); Likely benign (1). Last evaluated 2025-04-29.

Allele frequency attached by ClinVar (database versions not stated): gnomAD exomes 0.00002 and 0.00005; TOPMed 0.00004; gnomAD 0.00005; ExAC 0.00006.
gnomAD v4.1: 38 of 1,611,576 alleles (0.0024%); highest among the groups gnomAD compares: East Asian, 0.022%; no homozygotes.

Submissions (2):

Athena Diagnostics
Classification: Benign. Last evaluated: 2025-04-29. Review status: criteria provided, single submitter. Criteria: Athena Diagnostics Criteria. Collection method: clinical testing. Allele origin: unknown.
Comment: The frequency of this variant in the general population is higher than would generally be expected for pathogenic variants in this gene. Computational tools yielded predictions that this variant is unlikely to have an effect on normal RNA splicing. This nucleotide position exhibits low evolutionary conservation.

Labcorp Genetics (formerly Invitae), Labcorp
Classification: Likely benign. Last evaluated: 2024-02-17. Review status: criteria provided, single submitter. Criteria: Invitae Variant Classification Sherloc (09022015). Collection method: clinical testing. Allele origin: germline.

NM_006946.4(SPTBN2):c.5394C>T (p.Ala1798=)

Gene: SPTBN2 (spectrin beta, non-erythrocytic 2; minus strand). Cytogenetic location: 11q13.2.
Variant type: single nucleotide variant.
Coding change: c.5394C>T on transcript NM_006946.4 (MANE Select); coding-DNA position 5394, C replaced by T.
Protein change: p.Ala1798=; no amino-acid change (alanine 1798 retained).
Molecular consequence: synonymous variant.
Genome position (GRCh38, 1-based): chr11:66,691,455, G>A on the plus strand (C>T on the coding strand, the complement: SPTBN2 is on the minus strand). VCF-style: chr11-66691455-G-A. GRCh37 (hg19) VCF-style: chr11-66458926-G-A.
Other names: c.5394C>T (NM_006946.2).
Identifiers: ClinVar variation 1590080 (VCV001590080.9), dbSNP rs764744589, ClinGen allele CA6128285.